The following is an entry in ClinVar:

ClinVar aggregate classification (germline): Conflicting classifications of pathogenicity. Review status: criteria provided, conflicting classifications (1 of 4 stars). 6 submissions from 6 submitters: Uncertain significance (5); Likely benign (1). Last evaluated 2025-07-21.

Conditions:
Hereditary cancer-predisposing syndrome. Also called: Tumor predisposition; Hereditary Cancer Syndrome; Hereditary neoplastic syndrome; Neoplastic Syndromes, Hereditary. Identifiers: Orphanet 140162, MedGen C0027672, MeSH D009386, MONDO:0015356.
Familial adenomatous polyposis 1 (FAP1). Also called: FAMILIAL ADENOMATOUS POLYPOSIS 1, ATTENUATED; POLYPOSIS, ADENOMATOUS INTESTINAL. Identifiers: MedGen C2713442, MONDO:0021056, OMIM 175100. Disease mechanism: loss of function.
Classic or attenuated familial adenomatous polyposis. Identifiers: MedGen CN372698, MONDO:0021057.

Allele frequency attached by ClinVar (database versions not stated): gnomAD exomes 0.00001 and 0.00002; ExAC 0.00002; TOPMed 0.00002; gnomAD 0.00003; ESP Exome Variant Server 0.00015.

Submissions (6):

Color Diagnostics, LLC DBA Color Health
Classification: Uncertain significance for Hereditary cancer-predisposing syndrome. Last evaluated: 2025-07-21. Review status: criteria provided, single submitter. Criteria: ACMG Guidelines, 2015. Collection method: clinical testing. Allele origin: germline.
Comment: This missense variant replaces serine with asparagine at codon 2044 of the APC protein. Computational prediction is inconclusive regarding the impact of this variant on protein structure and function. To our knowledge, functional studies have not been reported for this variant. This variant has not been reported in individuals affected with APC-related disorders in the literature. This variant has been identified in 7/282214 chromosomes in the general population by the Genome Aggregation Database (gnomAD). The available evidence is insufficient to determine the role of this variant in disease conclusively. Therefore, this variant is classified as a Variant of Uncertain Significance.

Labcorp Genetics (formerly Invitae), Labcorp
Classification: Uncertain significance for Familial adenomatous polyposis 1. Last evaluated: 2025-07-14. Review status: criteria provided, single submitter. Criteria: Invitae Variant Classification Sherloc (09022015). Collection method: clinical testing. Allele origin: germline.
Comment: This sequence change replaces serine, which is neutral and polar, with asparagine, which is neutral and polar, at codon 2044 of the APC protein (p.Ser2044Asn). This variant is present in population databases (rs375743017, gnomAD 0.02%). This variant has not been reported in the literature in individuals affected with APC-related conditions. ClinVar contains an entry for this variant (Variation ID: 411334). Invitae Evidence Modeling of protein sequence and biophysical properties (such as structural, functional, and spatial information, amino acid conservation, physicochemical variation, residue mobility, and thermodynamic stability) indicates that this missense variant is not expected to disrupt APC protein function with a negative predictive value of 95%. In summary, the available evidence is currently insufficient to determine the role of this variant in disease. Therefore, it has been classified as a Variant of Uncertain Significance.

GeneDx
Classification: Uncertain significance. Last evaluated: 2023-11-06. Review status: criteria provided, single submitter. Criteria: GeneDx Variant Classification Process June 2021. Collection method: clinical testing. Allele origin: germline. Affected: yes.
Comment: In silico analysis supports that this missense variant does not alter protein structure/function; Observed in an individual with osteosarcoma (PMID: 26580448); This variant is associated with the following publications: (PMID: 18199528, 26580448)

All of Us Research Program, National Institutes of Health
Classification: Uncertain significance for Classic or attenuated familial adenomatous polyposis. Last evaluated: 2023-07-19. Review status: criteria provided, single submitter. Criteria: ACMG Guidelines, 2015. Collection method: clinical testing. Allele origin: germline. Inheritance: Autosomal dominant inheritance. Observed: 1 variant allele, 1 heterozygote.
Comment: This missense variant replaces serine with asparagine at codon 2044 of the APC protein. Computational prediction is inconclusive regarding the impact of this variant on protein structure and function (internally defined REVEL score threshold 0.5 < inconclusive < 0.7, PMID: 27666373). To our knowledge, functional studies have not been reported for this variant. This variant has not been reported in individuals affected with APC-related disorders in the literature. This variant has been identified in 7/282214 chromosomes in the general population by the Genome Aggregation Database (gnomAD). The available evidence is insufficient to determine the role of this variant in disease conclusively. Therefore, this variant is classified as a Variant of Uncertain Significance.

This study involves interpretation of variants in research participants for the purpose of population health screening. Participant phenotype was not available at the time of variant classification. Additional details can be found in publication PMID: 35346344, PMCID: PMC8962531

Ambry Genetics
Classification: Likely benign for Hereditary cancer-predisposing syndrome. Last evaluated: 2023-06-13. Review status: criteria provided, single submitter. Criteria: Ambry Variant Classification Scheme 2023. Collection method: clinical testing. Allele origin: germline.

Eurofins Ntd Llc (ga)
Classification: Uncertain significance. Last evaluated: 2018-05-29. Review status: criteria provided, single submitter. Criteria: EGL ClinVar v180209 classification definitions. Collection method: clinical testing. Allele origin: germline. Observed: 1 variant allele, 1 heterozygote.

Literature cited by the submitters: PubMed 26580448 (cited by Ambry Genetics).

NM_000038.6(APC):c.6131G>A (p.Ser2044Asn)

Gene: APC (APC regulator of Wnt signaling pathway; plus strand). Cytogenetic location: 5q22.2.
Variant type: single nucleotide variant.
Coding change: c.6131G>A on transcript NM_000038.6 (MANE Select); coding-DNA position 6131, G replaced by A.
Protein change: p.Ser2044Asn; replaces serine 2044 with asparagine.
Molecular consequence: missense variant.
Genome position (GRCh38, 1-based): chr5:112,841,725, G>A. VCF-style: chr5-112841725-G-A. GRCh37 (hg19) VCF-style: chr5-112177422-G-A.
Other names: c.6131G>A, p.Ser2044Asn (NM_001127510.3, NM_001354895.2); c.6077G>A, p.Ser2026Asn (NM_001127511.3); c.6185G>A, p.Ser2062Asn (NM_001354896.2); c.6161G>A, p.Ser2054Asn (NM_001354897.2); c.6056G>A, p.Ser2019Asn (NM_001354898.2); c.6047G>A, p.Ser2016Asn (NM_001354899.2); c.6008G>A, p.Ser2003Asn (NM_001354900.2); c.5954G>A, p.Ser1985Asn (NM_001354901.2); and 5 more; short protein forms S2026N, S2044N, S2003N, S2062N, S1918N, S1943N, S2016N, S2019N.
Identifiers: ClinVar variation 411334 (VCV000411334.30), dbSNP rs375743017, ClinGen allele CA043925.